The following is an entry in ClinVar:

ClinVar aggregate classification (germline): Uncertain significance (1 of 4 stars; one submission).

Conditions:
Hereditary cancer-predisposing syndrome. Also called: Hereditary neoplastic syndrome; Neoplastic Syndromes, Hereditary; Tumor predisposition; Hereditary Cancer Syndrome. Identifiers: Orphanet 140162, MedGen C0027672, MeSH D009386, MONDO:0015356.

Submission:

Ambry Genetics
Classification: Uncertain significance for Hereditary cancer-predisposing syndrome. Last evaluated: 2025-08-27. Review status: criteria provided, single submitter. Criteria: Ambry Variant Classification Scheme 2023. Collection method: clinical testing. Allele origin: germline.
Comment: The p.E73D variant (also known as c.219A>C), located in coding exon 3 of the MUTYH gene, results from an A to C substitution at nucleotide position 219. The glutamic acid at codon 73 is replaced by aspartic acid, an amino acid with highly similar properties. This amino acid position is conserved. In addition, this alteration is predicted to be tolerated by in silico analysis. Based on the available evidence, the clinical significance of this variant remains unclear.

NM_001048174.2(MUTYH):c.135A>C (p.Glu45Asp)

Gene: MUTYH (mutY DNA glycosylase; minus strand). Cytogenetic location: 1p34.1.
Variant type: single nucleotide variant.
Coding change: c.135A>C on transcript NM_001048174.2 (MANE Select); coding-DNA position 135, A replaced by C.
Protein change: p.Glu45Asp; replaces glutamic acid 45 with aspartic acid.
Molecular consequence: missense variant. On other transcripts: 5 prime UTR variant (1), non-coding transcript variant (5), intron variant (5).
Genome position (GRCh38, 1-based): chr1:45,333,542, T>G on the plus strand (A>C on the coding strand, the complement: MUTYH is on the minus strand). VCF-style: chr1-45333542-T-G. GRCh37 (hg19) VCF-style: chr1-45799214-T-G.
Other names: c.135A>C, p.Glu45Asp (NM_001048171.2, NM_001048173.2, NM_001293195.2 and 6 more transcripts); c.138A>C, p.Glu46Asp (NM_001048172.2, NM_001407071.1, NM_001407078.1 and 2 more transcripts); c.219A>C, p.Glu73Asp (NM_001128425.2); c.180A>C, p.Glu60Asp (NM_001293190.2); c.168A>C, p.Glu56Asp (NM_001293191.2, NM_001407077.1); c.-137A>C (NM_001350650.2); c.210A>C, p.Glu70Asp (NM_001407069.1, NM_012222.3); c.177A>C, p.Glu59Asp (NM_001407073.1, NM_001407083.1, NM_001407085.1); and 4 more; short protein forms E70D, E17D, E52D, E59D, E73D, E45D, E46D, E56D.
Identifiers: ClinVar variation 4113516 (VCV004113516.1).